The following is an entry in ClinVar:

ClinVar aggregate classification (germline): Uncertain significance (1 of 4 stars; one submission).

Submission:

Labcorp Genetics (formerly Invitae), Labcorp
Classification: Uncertain significance. Last evaluated: 2020-03-03. Review status: criteria provided, single submitter. Criteria: Invitae Variant Classification Sherloc (09022015). Collection method: clinical testing. Allele origin: germline.
Comment: In summary, the available evidence is currently insufficient to determine the role of this variant in disease. Therefore, it has been classified as a Variant of Uncertain Significance. Algorithms developed to predict the effect of missense changes on protein structure and function are either unavailable or do not agree on the potential impact of this missense change (SIFT: "Tolerated"; PolyPhen-2: "Probably Damaging"; Align-GVGD: "Class C0"). This variant has not been reported in the literature in individuals with TUBGCP6-related conditions. This variant is not present in population databases (ExAC no frequency). This sequence change replaces alanine with valine at codon 1685 of the TUBGCP6 protein (p.Ala1685Val). The alanine residue is moderately conserved and there is a small physicochemical difference between alanine and valine.

NM_020461.4(TUBGCP6):c.5054C>T (p.Ala1685Val)

Gene: TUBGCP6 (tubulin gamma complex component 6; minus strand). Cytogenetic location: 22q13.33.
Variant type: single nucleotide variant.
Coding change: c.5054C>T on transcript NM_020461.4 (MANE Select); coding-DNA position 5054, C replaced by T.
Protein change: p.Ala1685Val; replaces alanine 1685 with valine.
Molecular consequence: missense variant.
Genome position (GRCh38, 1-based): chr22:50,218,303, G>A on the plus strand (C>T on the coding strand, the complement: TUBGCP6 is on the minus strand). VCF-style: chr22-50218303-G-A. GRCh37 (hg19) VCF-style: chr22-50656732-G-A.
Other names: short protein forms A1685V.
Identifiers: ClinVar variation 1005396 (VCV001005396.8), dbSNP rs2064452729, ClinGen allele CA412164392.